The following is an entry in ClinVar:

ClinVar aggregate classification (germline): Conflicting classifications of pathogenicity. Review status: criteria provided, conflicting classifications (1 of 4 stars). 3 submissions from 3 submitters: Uncertain significance (2); Likely benign (1). Last evaluated 2026-06-25.

Conditions:
NBAS-related disorder. Also called: NBAS-related condition.
Inborn genetic diseases. Identifiers: MedGen C0950123, MeSH D030342.

Allele frequency attached by ClinVar (database versions not stated): ESP Exome Variant Server 0.00023.
gnomAD v4.1: 35 of 1,613,802 alleles (0.0022%); highest among the groups gnomAD compares: African/African-American, 0.044%; no homozygotes.

Submissions (3):

PreventionGenetics, part of Exact Sciences
Classification: Uncertain significance for NBAS-related condition. Last evaluated: 2026-06-25. Review status: criteria provided, single submitter. Criteria: ACMG Guidelines, 2015. Collection method: clinical testing. Allele origin: germline.
Comment: The NBAS c.5213C>T variant is predicted to result in the amino acid substitution p.Ala1738Val. To our knowledge, this variant has not been reported in the literature. This variant is reported in 0.044% of alleles in individuals of African descent in gnomAD. At this time, the clinical significance of this variant is uncertain due to the absence of conclusive functional and genetic evidence.

Ambry Genetics
Classification: Uncertain significance for Inborn genetic diseases. Last evaluated: 2024-09-03. Review status: criteria provided, single submitter. Criteria: Ambry Variant Classification Scheme 2023. Collection method: clinical testing. Allele origin: germline.

Labcorp Genetics (formerly Invitae), Labcorp
Classification: Likely benign. Last evaluated: 2024-01-29. Review status: criteria provided, single submitter. Criteria: Invitae Variant Classification Sherloc (09022015). Collection method: clinical testing. Allele origin: germline.

NM_015909.4(NBAS):c.5213C>T (p.Ala1738Val)

Gene: NBAS (NBAS subunit of NRZ tethering complex; minus strand). Cytogenetic location: 2p24.3.
Variant type: single nucleotide variant.
Coding change: c.5213C>T on transcript NM_015909.4 (MANE Select); coding-DNA position 5213, C replaced by T.
Protein change: p.Ala1738Val; replaces alanine 1738 with valine.
Molecular consequence: missense variant. On other transcripts: non-coding transcript variant (1).
Genome position (GRCh38, 1-based): chr2:15,277,027, G>A on the plus strand (C>T on the coding strand, the complement: NBAS is on the minus strand). VCF-style: chr2-15277027-G-A. GRCh37 (hg19) VCF-style: chr2-15417151-G-A.
Other names: c.5213C>T (NM_015909.2, NM_015909.3); short protein forms A1738V.
Identifiers: ClinVar variation 1061682 (VCV001061682.9), dbSNP rs146291374, ClinGen allele CA1535353.
Genomic context (GRCh38, chr2:15,277,027, plus strand): 5'-CTTTCGTGATCAAAGCCACCAATAGTAGGGTAAATATACTTGACCATGTGCTGGTGAAAG[G>A]CTTCTGGATCAGTCTTCAAAGTCTCAAAGAGATGAAGGTCTTGGGCTCTATTTTCAATTT-3'
Protein context (NP_056993.2, residues 1728-1748): LFETLKTDPE[Ala1738Val]FHQHMVKYIY